The following is an entry in ClinVar:

NM_003331.5(TYK2):c.3200+13G>T

Gene: TYK2 (tyrosine kinase 2; minus strand). Cytogenetic location: 19p13.2.
Variant type: single nucleotide variant.
Coding change: c.3200+13G>T on transcript NM_003331.5 (MANE Select); 13 bases into the intron after coding-DNA position 3200, G replaced by T.
Molecular consequence: intron variant.
Genome position (GRCh38, 1-based): chr19:10,352,913, C>A on the plus strand (G>T on the coding strand, the complement: TYK2 is on the minus strand). VCF-style: chr19-10352913-C-A. GRCh37 (hg19) VCF-style: chr19-10463589-C-A.
Other names: c.3014+13G>T (NM_001385199.1); c.3110+13G>T (NM_001385205.1); c.3002+13G>T (NM_001385201.1); c.3074+13G>T (NM_001385206.1); c.3182+13G>T (NM_001385207.1); c.3116+13G>T (NM_001385202.1); c.3197+13G>T (NM_001385200.1); c.3168+45G>T (NM_001385198.1); and 3 more.
Identifiers: ClinVar variation 1369114 (VCV001369114.8), dbSNP rs2145143773, ClinGen allele CA2573155516.
Genomic context (GRCh38, chr19:10,352,913, plus strand): 5'-AGCATCCGTCTACTCCACCCTGCCTGTTCCAAGTGACCCCAGCACCCCCTCAGACTGCAC[C>A]CCGCCTGGTCACCAGAACACGGGGCTGTCCCCATCCTCGCGCACGCGGTAGTACTCGTGG-3'

ClinVar aggregate classification (germline): Uncertain significance (1 of 4 stars; one submission).

Conditions:
Immunodeficiency 35 (IMD35). Also called: HIES WITH ATYPICAL MYCOBACTERIOSIS, AUTOSOMAL RECESSIVE; HYPER-IgE SYNDROME WITH ATYPICAL MYCOBACTERIOSIS, AUTOSOMAL RECESSIVE; Susceptibility to infection due to TYK2 deficiency; TYK2 DEFICIENCY. Identifiers: Orphanet 331226, MedGen C1969086, MONDO:0012682, OMIM 611521.

Submission:

Labcorp Genetics (formerly Invitae), Labcorp
Classification: Uncertain significance for Immunodeficiency 35. Last evaluated: 2021-05-06. Review status: criteria provided, single submitter. Criteria: Invitae Variant Classification Sherloc (09022015). Collection method: clinical testing. Allele origin: germline.
Comment: This sequence change falls in intron 22 of the TYK2 gene. It does not directly change the encoded amino acid sequence of the TYK2 protein. This variant is not present in population databases (ExAC no frequency). This variant has not been reported in the literature in individuals with TYK2-related conditions. Algorithms developed to predict the effect of sequence changes on RNA splicing suggest that this variant may create or strengthen a splice site, but this prediction has not been confirmed by published transcriptional studies. In summary, the available evidence is currently insufficient to determine the role of this variant in disease. Therefore, it has been classified as a Variant of Uncertain Significance.